The following is an entry in ClinVar:

ClinVar aggregate classification (germline): Uncertain significance (1 of 4 stars; one submission).

Conditions:
X-linked immunodeficiency with magnesium defect, Epstein-Barr virus infection and neoplasia. Identifiers: Orphanet 317476, MedGen C3275445, MONDO:0010455, OMIM 300853.

Allele frequency attached by ClinVar (database versions not stated): gnomAD exomes below 0.00001.

Submission:

Labcorp Genetics (formerly Invitae), Labcorp
Classification: Uncertain significance for X-linked immunodeficiency with magnesium defect, Epstein-Barr virus infection and neoplasia. Last evaluated: 2025-01-15. Review status: criteria provided, single submitter. Criteria: Invitae Variant Classification Sherloc (09022015). Collection method: clinical testing. Allele origin: germline.
Comment: This sequence change replaces methionine, which is neutral and non-polar, with valine, which is neutral and non-polar, at codon 33 of the MAGT1 protein (p.Met33Val). This variant is not present in population databases (gnomAD no frequency). This variant has not been reported in the literature in individuals affected with MAGT1-related conditions. ClinVar contains an entry for this variant (Variation ID: 2733736). An algorithm developed to predict the effect of missense changes on protein structure and function (PolyPhen-2) suggests that this variant is likely to be tolerated. In summary, the available evidence is currently insufficient to determine the role of this variant in disease. Therefore, it has been classified as a Variant of Uncertain Significance.

NM_001367916.1(MAGT1):c.1A>G (p.Met1Val)

Genes: MAGT1 (magnesium transporter 1; minus strand), LOC130068460 (ATAC-STARR-seq lymphoblastoid active region 29781; plus strand). Cytogenetic location: Xq21.1.
Variant type: single nucleotide variant.
Coding change: c.1A>G on transcript NM_001367916.1 (MANE Select); coding-DNA position 1, A replaced by G.
Protein change: p.Met1Val; changes the start codon (methionine 1).
Molecular consequence: missense variant, initiator codon variant.
Genome position (GRCh38, 1-based): chrX:77,895,410, T>C on the plus strand (A>G on the coding strand, the complement: MAGT1 is on the minus strand). VCF-style: chrX-77895410-T-C. GRCh37 (hg19) VCF-style: chrX-77150907-T-C.
Other names: c.97A>G, p.Met33Val (NM_032121.5); short protein forms M33V, M1V.
Identifiers: ClinVar variation 2733736 (VCV002733736.3), dbSNP rs2522051280, ClinGen allele CA413714363.